The following is an entry in ClinVar:

ClinVar aggregate classification (germline): Uncertain significance (1 of 4 stars; one submission).

Submission:

GeneDx
Classification: Uncertain significance. Last evaluated: 2015-09-05. Review status: criteria provided, single submitter. Criteria: GeneDx Variant Classification (06012015). Collection method: clinical testing. Allele origin: germline. Affected: yes.
Comment: The c.11730delC variant in the TTN gene has not been reported previously as a disease-causing mutation nor as a benign polymorphism to our knowledge. c.11730delC causes a shift in reading frame starting at codon Serine 3911, changing it to a Leucine, and creating a premature stop codon at position 23 of the new reading frame, denoted p.Ser3911LeufsX23. This variant is expected to result in either an abnormal, truncated protein product or loss of protein from this allele through nonsense-mediated mRNA decay. c.11730delC, located in the M-line region of titin, does not occur in the A-band region where the majority of truncating mutations associated with DCM have been reported (Herman D et al., 2012). With the clinical and molecular information available at this time, we cannot definitively determine if c.11730delC is a disease-causing mutation or a rare benign variant.

NM_001267550.2(TTN):c.12681del (p.Ser4228fs)

Gene: TTN (titin; minus strand). Cytogenetic location: 2q31.2.
Variant type: Deletion.
Coding change: c.12681del on transcript NM_001267550.2 (MANE Select); coding-DNA position 12681, one base deleted (C; older notation c.12681delC).
Protein change: p.Ser4228fs; shifts the reading frame from serine 4228.
Molecular consequence: frameshift variant. On other transcripts: intron variant (1).
Genome position (GRCh38, 1-based): chr2:178,740,552, G deleted on the plus strand (C on the coding strand, the reverse complement: TTN is on the minus strand); the first of 2 consecutive G bases (chr2:178,740,552-178,740,553); deleting either gives the same sequence. VCF-style (leftmost placement, unchanged base first): chr2-178740551-AG-A. GRCh37 (hg19) VCF-style: chr2-179605278-AG-A.
Other names: c.11730delC (NM_001256850.1); c.11730del, p.Ser3911fs (NM_001256850.1); c.11592del, p.Ser3865fs (NM_003319.4); c.11967del, p.Ser3990fs (NM_133432.3); c.12168del, p.Ser4057fs (NM_133437.4); c.10361-2192del (NM_133378.4); short protein forms S3865fs, S4228fs, S3990fs, S4057fs, S3911fs.
Identifiers: ClinVar variation 202511 (VCV000202511.2), dbSNP rs794729376, ClinGen allele CA309480.